The following is an entry in ClinVar:

ClinVar aggregate classification (germline): Conflicting classifications of pathogenicity. Review status: criteria provided, conflicting classifications (1 of 4 stars). 12 submissions from 11 submitters: Uncertain significance (1); Benign (1); Likely benign (5). 5 of the submissions do not count toward it. Last evaluated 2026-02-02.

Conditions:
AIPL1-related disorder. Also called: AIPL1-related disorders; AIPL1-related condition. Identifiers: MedGen CN239169.
Retinal dystrophy. Also called: Inherited retinal dystrophy. Identifiers: Orphanet 71862, MedGen C0854723, MeSH D058499, MONDO:0019118, HP:0000556.
Retinitis pigmentosa (RP). Identifiers: Orphanet 791, MedGen C0035334, MeSH D012174, MONDO:0019200, OMIM 268000. Inheritance: Autosomal dominant, autosomal recessive and X linked inheritance.
Leber congenital amaurosis 4 (LCA4). Identifiers: MedGen C1858386, MONDO:0011458, OMIM 604393.

Allele frequency attached by ClinVar (database versions not stated): 1000 Genomes Project 30x 0.00031; 1000 Genomes Project 0.00040; TOPMed 0.00150; gnomAD 0.00207 and 0.00220; ExAC 0.00227; gnomAD exomes 0.00232; ESP Exome Variant Server 0.00261.
gnomAD v4.1: 3,976 of 1,613,980 alleles (0.25%); highest among the groups gnomAD compares: Non-Finnish European, 0.28%; 15 homozygotes.

Submissions (12):

Labcorp Genetics (formerly Invitae), Labcorp
Classification: Benign for Leber congenital amaurosis 4. Last evaluated: 2026-02-02. Review status: criteria provided, single submitter. Criteria: Invitae Variant Classification Sherloc (09022015). Collection method: clinical testing. Allele origin: germline.

CeGaT Center for Human Genetics Tuebingen
Classification: Likely benign. Last evaluated: 2025-12-01. Review status: criteria provided, single submitter. Criteria: CeGaT Center For Human Genetics Tuebingen Variant Classification Criteria Version 2. Collection method: clinical testing. Allele origin: germline. Affected: yes. Observed: 4 variant alleles.
Comment: AIPL1: BP4, BP7, BS2

Blueprint Genetics
Classification: Likely benign. Last evaluated: 2024-11-24. Review status: criteria provided, single submitter. Criteria: ACMG Guidelines, 2015. Collection method: clinical testing. Allele origin: germline.

ARUP Laboratories, Molecular Genetics and Genomics, ARUP Laboratories
Classification: Likely benign. Last evaluated: 2023-10-02. Review status: criteria provided, single submitter. Criteria: ARUP Molecular Germline Variant Investigation Process 2024. Collection method: clinical testing. Allele origin: germline.

Illumina Laboratory Services, Illumina
Classification: Likely benign for Leber congenital amaurosis 4. Last evaluated: 2017-04-27. Review status: criteria provided, single submitter. Criteria: ICSL Variant Classification Criteria 13 December 2019. Collection method: clinical testing. Allele origin: germline.
Comment: This variant was observed as part of a predisposition screen in an ostensibly healthy population. A literature search was performed for the gene, cDNA change, and amino acid change (where applicable). No publications were found based on this search. Allele frequency data from public databases allowed determination this variant is unlikely to cause disease. Therefore, this variant is classified as likely benign.

Illumina Laboratory Services, Illumina
Classification: Likely benign for Retinitis pigmentosa. Last evaluated: 2017-04-27. Review status: criteria provided, single submitter. Criteria: ICSL Variant Classification Criteria 13 December 2019. Collection method: clinical testing. Allele origin: germline.
Comment: This variant was observed as part of a predisposition screen in an ostensibly healthy population. A literature search was performed for the gene, cDNA change, and amino acid change (where applicable). Publications were found based on this search. The evidence from the literature, in combination with allele frequency data from public databases where available, was sufficient to determine this variant is unlikely to cause disease. Therefore, this variant is classified as likely benign.

Eurofins Ntd Llc (ga)
Classification: Uncertain significance. Last evaluated: 2013-04-11. Review status: criteria provided, single submitter. Criteria: EGL Classification Definitions 2015. Collection method: clinical testing. Allele origin: germline. Observed: 2 variant alleles, 2 heterozygotes.

PreventionGenetics, part of Exact Sciences
Classification: Benign for AIPL1-related condition. Last evaluated: 2019-11-20. Review status: no assertion criteria provided. Collection method: clinical testing. Allele origin: germline. Not counted in ClinVar's aggregate classification.
Comment: This variant is classified as benign based on ACMG/AMP sequence variant interpretation guidelines (Richards et al. 2015 PMID: 25741868, with internal and published modifications).

Institute of Human Genetics, Univ. Regensburg, Univ. Regensburg
Classification: Likely benign for Retinal dystrophy. Last evaluated: 2012-01-01. Review status: no assertion criteria provided. Criteria: ACMG Guidelines, 2015. Collection method: clinical testing. Allele origin: germline. Affected: yes. Not counted in ClinVar's aggregate classification.

Clinical Genetics DNA and cytogenetics Diagnostics Lab, Erasmus MC, Erasmus Medical Center
Classification: Benign. Review status: no assertion criteria provided. Collection method: clinical testing. Allele origin: germline. Affected: yes. Study: VKGL Data-share Consensus. Not counted in ClinVar's aggregate classification.

Clinical Genetics, Academic Medical Center
Classification: Benign. Review status: no assertion criteria provided. Collection method: clinical testing. Allele origin: germline. Affected: yes. Study: VKGL Data-share Consensus. Not counted in ClinVar's aggregate classification.

Retina International
No classification provided. Review status: no classification provided. Collection method: not provided. Allele origin: not provided. Not counted in ClinVar's aggregate classification.

Literature cited by the submitters: PubMed 11139241 (cited by Illumina Laboratory Services, Illumina).

NM_014336.5(AIPL1):c.516T>C (p.His172=)

Gene: AIPL1 (AIP like 1 HSP90 co-chaperone; minus strand). Cytogenetic location: 17p13.2.
Variant type: single nucleotide variant.
Coding change: c.516T>C on transcript NM_014336.5 (MANE Select); coding-DNA position 516, T replaced by C.
Protein change: p.His172=; no amino-acid change (histidine 172 retained).
Molecular consequence: synonymous variant.
Genome position (GRCh38, 1-based): chr17:6,427,007, A>G on the plus strand (T>C on the coding strand, the complement: AIPL1 is on the minus strand). VCF-style: chr17-6427007-A-G. GRCh37 (hg19) VCF-style: chr17-6330327-A-G.
Other names: c.327T>C, p.His109= (NM_001033054.3); c.336T>C, p.His112= (NM_001033055.3); c.480T>C, p.His160= (NM_001285399.3); c.450T>C, p.His150= (NM_001285400.3); c.516T>C, p.His172= (NM_001285401.3); c.399T>C, p.His133= (NM_001285402.2); c.492T>C, p.His164= (NM_001285403.4).
Identifiers: ClinVar variation 95583 (VCV000095583.56), dbSNP rs62637017, ClinGen allele CA223115.
Genomic context (GRCh38, chr17:6,427,007, plus strand): 5'-GCCCAGCTTGAAGAGCCGATTTCCCTCTCCGTGGAGGACGGGCACCGCCTTCATCTTCTC[A>G]TGATTGCTCAGGTTCCAGGTCTCCCTCTGGTAATCACTCGGGGCATCAACCTGGCCCCAG-3'
Protein context (NP_055151.3, residues 162-182): YQRETWNLSN[His172=]EKMKAVPVLH